The following is an entry in ClinVar:

ClinVar aggregate classification (germline): Uncertain significance (1 of 4 stars; one submission).

Allele frequency attached by ClinVar (database versions not stated): gnomAD exomes below 0.00001.
gnomAD v4.1: 1 of 1,550,704 alleles (0.000064%); highest among the groups gnomAD compares: East Asian, 0.0023%; no homozygotes.

Submission:

Labcorp Genetics (formerly Invitae), Labcorp
Classification: Uncertain significance. Last evaluated: 2023-11-13. Review status: criteria provided, single submitter. Criteria: Invitae Variant Classification Sherloc (09022015). Collection method: clinical testing. Allele origin: germline.
Comment: This sequence change falls in intron 2 of the XRCC2 gene. It does not directly change the encoded amino acid sequence of the XRCC2 protein. It affects a nucleotide within the consensus splice site. The frequency data for this variant in the population databases is considered unreliable, as metrics indicate poor data quality at this position in the gnomAD database. This variant has not been reported in the literature in individuals affected with XRCC2-related conditions. ClinVar contains an entry for this variant (Variation ID: 1506228). Variants that disrupt the consensus splice site are a relatively common cause of aberrant splicing (PMID: 17576681, 9536098). Algorithms developed to predict the effect of sequence changes on RNA splicing suggest that this variant may disrupt the consensus splice site. In summary, the available evidence is currently insufficient to determine the role of this variant in disease. Therefore, it has been classified as a Variant of Uncertain Significance.

Literature cited by the submitters: PubMed 17576681; PubMed 9536098.

NM_005431.2(XRCC2):c.122-3C>A

Gene: XRCC2 (X-ray repair cross complementing 2; minus strand). Cytogenetic location: 7q36.1.
Variant type: single nucleotide variant.
Coding change: c.122-3C>A on transcript NM_005431.2 (MANE Select); 3 bases into the intron before coding-DNA position 122, C replaced by A.
Molecular consequence: intron variant.
Genome position (GRCh38, 1-based): chr7:152,649,366, G>T on the plus strand (C>A on the coding strand, the complement: XRCC2 is on the minus strand). VCF-style: chr7-152649366-G-T. GRCh37 (hg19) VCF-style: chr7-152346451-G-T.
Identifiers: ClinVar variation 1506228 (VCV001506228.6), dbSNP rs730882046, ClinGen allele CA579080844.